The following is an entry in ClinVar:

ClinVar aggregate classification (germline): Benign. Review status: criteria provided, multiple submitters, no conflicts (2 of 4 stars). 4 submissions from 4 submitters: Benign (3). 1 of the submissions does not count toward it. Last evaluated 2021-10-25.

Conditions:
PPP1R3A-related disorder. Also called: PPP1R3A-related condition.
Type 2 diabetes mellitus. Also called: Type II diabetes mellitus. Identifiers: MedGen C0011860, MeSH D003924, MONDO:0005148, OMIM 125853, HP:0005978.

Allele frequency attached by ClinVar (database versions not stated): ESP Exome Variant Server 0.99608; TOPMed 0.99618; 1000 Genomes Project 0.99641; 1000 Genomes Project 30x 0.99641; gnomAD 0.99641 and 0.99670; ExAC 0.99897; gnomAD exomes 0.99916 and 0.99967.
gnomAD v4.1: 1,612,222 of 1,613,246 alleles (100%); highest among the groups gnomAD compares: East Asian, 100%; 805,607 homozygotes.

Submissions (4):

Genome-Nilou Lab
Classification: Benign for Type 2 diabetes mellitus. Last evaluated: 2021-10-25. Review status: criteria provided, single submitter. Criteria: ACMG Guidelines, 2015. Collection method: clinical testing. Allele origin: germline. Affected: no.

GeneDx
Classification: Benign. Last evaluated: 2021-06-09. Review status: criteria provided, single submitter. Criteria: GeneDx Variant Classification Process June 2021. Collection method: clinical testing. Allele origin: germline. Affected: yes.

Breakthrough Genomics
Classification: Benign. Review status: criteria provided, single submitter. Criteria: ACMG Guidelines, 2015. Collection method: not provided. Allele origin: germline. Inheritance: Autosomal dominant inheritance. Affected: yes.

PreventionGenetics, part of Exact Sciences
Classification: Benign for PPP1R3A-related condition. Last evaluated: 2019-12-03. Review status: no assertion criteria provided. Collection method: clinical testing. Allele origin: germline. Not counted in ClinVar's aggregate classification.
Comment: This variant is classified as benign based on ACMG/AMP sequence variant interpretation guidelines (Richards et al. 2015 PMID: 25741868, with internal and published modifications).

NM_002711.4(PPP1R3A):c.1428T>A (p.Asn476Lys)

Gene: PPP1R3A (protein phosphatase 1 regulatory subunit 3A; minus strand). Cytogenetic location: 7q31.1.
Variant type: single nucleotide variant.
Coding change: c.1428T>A on transcript NM_002711.4 (MANE Select); coding-DNA position 1428, T replaced by A.
Protein change: p.Asn476Lys; replaces asparagine 476 with lysine.
Molecular consequence: missense variant.
Genome position (GRCh38, 1-based): chr7:113,879,664, A>T on the plus strand (T>A on the coding strand, the complement: PPP1R3A is on the minus strand). VCF-style: chr7-113879664-A-T. GRCh37 (hg19) VCF-style: chr7-113519719-A-T.
Other names: short protein forms N476K.
Identifiers: ClinVar variation 1297972 (VCV001297972.7), dbSNP rs2974944, ClinGen allele CA4445264.